The following is an entry in ClinVar:

ClinVar aggregate classification (germline): Uncertain significance. Review status: criteria provided, multiple submitters, no conflicts (2 of 4 stars). 3 submissions from 3 submitters: Uncertain significance (3). Last evaluated 2024-07-29.

Submissions (3):

Women's Health and Genetics/Laboratory Corporation of America, LabCorp
Classification: Uncertain significance. Last evaluated: 2024-07-29. Review status: criteria provided, single submitter. Criteria: LabCorp Variant Classification Summary - May 2015. Collection method: clinical testing. Allele origin: germline.
Comment: Variant summary: POLG c.1832C>T (p.Pro611Leu) results in a non-conservative amino acid change in the encoded protein sequence. Five of five in-silico tools predict a damaging effect of the variant on protein function. The variant was absent in 251068 control chromosomes. The available data on variant occurrences in the general population are insufficient to allow any conclusion about variant significance. c.1832C>T has been reported in the literature in individuals affected with POLG-Related Spectrum Disorders (Hou_2022). These report(s) do not provide unequivocal conclusions about association of the variant with POLG-Related Spectrum Disorders. To our knowledge, no experimental evidence demonstrating an impact on protein function has been reported. The following publication have been ascertained in the context of this evaluation (PMID: 35289132). ClinVar contains an entry for this variant (Variation ID: 426260). Based on the evidence outlined above, the variant was classified as uncertain significance.

AiLife Diagnostics
Classification: Uncertain significance. Last evaluated: 2022-03-16. Review status: criteria provided, single submitter. Criteria: ACMG Guidelines, 2015. Collection method: clinical testing. Allele origin: germline. Affected: yes. Observed: 1 variant allele.

GeneDx
Classification: Uncertain significance. Last evaluated: 2017-04-24. Review status: criteria provided, single submitter. Criteria: GeneDx Variant Classification (06012015). Collection method: clinical testing. Allele origin: germline. Affected: yes.
Comment: A variant of uncertain significance has been identified in the POLG gene. The P611L variant has not been published as a pathogenic variant, nor has it been reported as a benign variant to our knowledge. The P611L variant is not observed in large population cohorts (Lek et al., 2016; 1000 Genomes Consortium et al., 2015; Exome Variant Server). The P611L variant is a semi-conservative amino acid substitution, which may impact secondary protein structure as these residues differ in some properties. This substitution occurs at a position that is conserved across species and in silico analysis predicts this variant is probably damaging to the protein structure/function. Based on the currently available information, it is unclear whether this variant is a pathogenic variant or a rare benign variant.

Literature cited by the submitters: PubMed 35289132 (cited by Women's Health and Genetics/Laboratory Corporation of America, LabCorp and AiLife Diagnostics).

NM_002693.3(POLG):c.1832C>T (p.Pro611Leu)

Gene: POLG (DNA polymerase gamma, catalytic subunit; minus strand). Cytogenetic location: 15q26.1.
Variant type: single nucleotide variant.
Coding change: c.1832C>T on transcript NM_002693.3 (MANE Select); coding-DNA position 1832, C replaced by T.
Protein change: p.Pro611Leu; replaces proline 611 with leucine.
Molecular consequence: missense variant.
Genome position (GRCh38, 1-based): chr15:89,325,567, G>A on the plus strand (C>T on the coding strand, the complement: POLG is on the minus strand). VCF-style: chr15-89325567-G-A. GRCh37 (hg19) VCF-style: chr15-89868798-G-A.
Other names: c.1832C>T, p.Pro611Leu (NM_001126131.2); short protein forms P611L.
Identifiers: ClinVar variation 426260 (VCV000426260.4), dbSNP rs1085307530, ClinGen allele CA393759268.
Genomic context (GRCh38, chr15:89,325,567, plus strand): 5'-AGGTTGTCCCGCCGCCCAGGCACCAAGTAGCCCCAGCCATGACGCTCTGAGTAGTGCAGA[G>A]GGAAGCCATCCCAGGTAAGTGCCATGAGTTTAGGTGTGACCCGCATCTGCAGGCTGAGGA-3'
Protein context (NP_002684.1, residues 601-621): KLMALTWDGF[Pro611Leu]LHYSERHGWG